The following is an entry in ClinVar:

ClinVar aggregate classification (germline): Uncertain significance (1 of 4 stars; one submission).

Conditions:
Early-infantile DEE. Also called: Early infantile epileptic encephalopathy with suppression bursts; Early infantile epileptic encephalopathy; Ohtahara syndrome. Identifiers: Orphanet 1934, MedGen C0393706, MONDO:0800491.

gnomAD v4.1: 5 of 1,610,852 alleles (0.00031%); highest among the groups gnomAD compares: Non-Finnish European, 0.00042%; no homozygotes.

Submission:

Labcorp Genetics (formerly Invitae), Labcorp
Classification: Uncertain significance for Early-infantile DEE. Last evaluated: 2025-08-11. Review status: criteria provided, single submitter. Criteria: Invitae Variant Classification Sherloc (09022015). Collection method: clinical testing. Allele origin: germline.
Comment: This sequence change replaces aspartic acid, which is acidic and polar, with asparagine, which is neutral and polar, at codon 842 of the KCNQ2 protein (p.Asp842Asn). This variant is not present in population databases (gnomAD no frequency). This variant has not been reported in the literature in individuals affected with KCNQ2-related conditions. Invitae Evidence Modeling of protein sequence and biophysical properties (such as structural, functional, and spatial information, amino acid conservation, physicochemical variation, residue mobility, and thermodynamic stability) has been performed for this missense variant. However, the output from this modeling did not meet the statistical confidence thresholds required to predict the impact of this variant on KCNQ2 protein function. In summary, the available evidence is currently insufficient to determine the role of this variant in disease. Therefore, it has been classified as a Variant of Uncertain Significance.

NM_172107.4(KCNQ2):c.2524G>A (p.Asp842Asn)

Gene: KCNQ2 (potassium voltage-gated channel subfamily Q member 2; minus strand). Cytogenetic location: 20q13.33.
Variant type: single nucleotide variant.
Coding change: c.2524G>A on transcript NM_172107.4 (MANE Select); coding-DNA position 2524, G replaced by A.
Protein change: p.Asp842Asn; replaces aspartic acid 842 with asparagine.
Molecular consequence: missense variant.
Genome position (GRCh38, 1-based): chr20:63,406,739, C>T on the plus strand (G>A on the coding strand, the complement: KCNQ2 is on the minus strand). VCF-style: chr20-63406739-C-T. GRCh37 (hg19) VCF-style: chr20-62038092-C-T.
Other names: c.2578G>A, p.Asp860Asn (NM_001382235.1); c.2467G>A, p.Asp823Asn (NM_001439003.1); c.2437G>A, p.Asp813Asn (NM_001439004.1); c.2440G>A, p.Asp814Asn (NM_004518.6); c.2470G>A, p.Asp824Asn (NM_172106.3); c.2431G>A, p.Asp811Asn (NM_172108.5); short protein forms D814N, D824N, D842N, D813N, D823N, D811N, D860N.
Identifiers: ClinVar variation 4764301 (VCV004764301.1).